The following is an entry in ClinVar:

NM_001128425.2(MUTYH):c.171_172delinsTT (p.Met57_Ile58delinsIlePhe)

Gene: MUTYH (mutY DNA glycosylase; minus strand). Cytogenetic location: 1p34.1.
Variant type: Indel.
Coding change: c.171_172delinsTT on transcript NM_001128425.2 (MANE Plus Clinical); coding-DNA positions 171 to 172, GA replaced by TT.
Protein change: p.Met57_Ile58delinsIlePhe.
Molecular consequence: missense variant. On other transcripts: intron variant (10).
Genome position (GRCh38, 1-based): chr1:45,333,589-45,333,590, TC replaced by AA on the plus strand (GA replaced by TT on the coding strand, the reverse complement: MUTYH is on the minus strand). VCF-style: chr1-45333589-TC-AA. GRCh37 (hg19) VCF-style: chr1-45799261-TC-AA.
Other names: c.120_121delinsTT, p.Met40_Ile41delinsIlePhe (NM_001293191.2); c.162_163delinsTT, p.Met54_Ile55delinsIlePhe (NM_012222.3); c.-92-93_-92-92delinsTT (NM_001350651.2); c.-97-93_-97-92delinsTT (NM_001293192.2, NM_001293196.2); c.-156-29_-156-28delinsTT (NM_001350650.2); c.116-29_116-28delinsTT (NM_001048171.2, NM_001048173.2, NM_001048174.2 and 1 more transcripts); c.158-26_158-25delinsTT (NM_001293190.2); c.116-26_116-25delinsTT (NM_001048172.2); and 1 more.
Identifiers: ClinVar variation 924531 (VCV000924531.11), dbSNP rs1645395987, ClinGen allele CA1139655542.
Genomic context (GRCh38, chr1:45,333,589, plus strand): 5'-GCAATACCACCTCTTCCGGCTGCCTGGCCAGGCCTGCTGGGGCCCCAGGACACTCAGCAA[TC>AA]ATCCCTGCACAGGCTGTGCATCAGGGTCTTGGGACACAGCAGCCTGTGGCAGTATGCTCC-3'

ClinVar aggregate classification (germline): Uncertain significance. Review status: criteria provided, multiple submitters, no conflicts (2 of 4 stars). 3 submissions from 3 submitters: Uncertain significance (3). Last evaluated 2025-06-18.

Conditions:
Hereditary cancer-predisposing syndrome. Also called: Neoplastic Syndromes, Hereditary; Tumor predisposition; Hereditary Cancer Syndrome; Hereditary neoplastic syndrome. Identifiers: Orphanet 140162, MedGen C0027672, MeSH D009386, MONDO:0015356.
Familial adenomatous polyposis 2. Also called: Adenomas, multiple colorectal; MUTYH Polyposis; COLORECTAL ADENOMATOUS POLYPOSIS, AUTOSOMAL RECESSIVE; ADENOMAS, MULTIPLE COLORECTAL, AUTOSOMAL RECESSIVE; MUTYH-associated polyposis; MUTYH-related attenuated familial adenomatous polyposis. Identifiers: Orphanet 220460, Orphanet 247798, MedGen C3272841, MONDO:0012041, OMIM 608456.

Submissions (3):

Labcorp Genetics (formerly Invitae), Labcorp
Classification: Uncertain significance for Familial adenomatous polyposis 2. Last evaluated: 2025-06-18. Review status: criteria provided, single submitter. Criteria: Invitae Variant Classification Sherloc (09022015). Collection method: clinical testing. Allele origin: germline.
Comment: This variant, c.171_172delinsTT, is a complex sequence change that results in the deletion of 2 and insertion of 2 amino acid(s) in the MUTYH protein (p.Met57_Ile58delinsIlePhe). Information on the frequency of this variant in the gnomAD database is not available, as this variant may be reported differently in the database. This variant has not been reported in the literature in individuals affected with MUTYH-related conditions. ClinVar contains an entry for this variant (Variation ID: 924531). Experimental studies and prediction algorithms are not available or were not evaluated, and the functional significance of this variant is currently unknown. In summary, the available evidence is currently insufficient to determine the role of this variant in disease. Therefore, it has been classified as a Variant of Uncertain Significance.

Color Diagnostics, LLC DBA Color Health
Classification: Uncertain significance for Hereditary cancer-predisposing syndrome. Last evaluated: 2023-12-05. Review status: criteria provided, single submitter. Criteria: ACMG Guidelines, 2015. Collection method: clinical testing. Allele origin: germline.
Comment: This multinucleotide variant substitutes codons methionine 57 and isoleucine 58 in the MUTYH protein with isoleucine and phenylalanine, respectively. Splice site prediction tools suggest that this variant may not impact RNA splicing. To our knowledge, functional studies have not been performed for this variant. This variant has not been reported in individuals affected with hereditary cancer in the literature. This variant has not been identified in the general population by the Genome Aggregation Database (gnomAD). The available evidence is insufficient to determine the role of this variant in disease conclusively. Therefore, this variant is classified as a Variant of Uncertain Significance.

Ambry Genetics
Classification: Uncertain significance for Hereditary cancer-predisposing syndrome. Last evaluated: 2023-08-30. Review status: criteria provided, single submitter. Criteria: Ambry Variant Classification Scheme 2023. Collection method: clinical testing. Allele origin: germline.
Comment: The c.171_172delGAinsTT variant (also known as p.M57_I58delinsIF), located in coding exon 3 of the MUTYH gene, results from an in-frame deletion of GA and insertion of TT at nucleotide positions 171 to 172. This results in the insertion of 2 extra residues (isoleucine and phenylalanine) between codons 57 and 58. This amino acid region is not well conserved in available vertebrate species. In addition, this alteration is predicted to be neutral by in silico analysis (Choi Y et al. PLoS ONE. 2012; 7(10):e46688). Since supporting evidence is limited at this time, the clinical significance of this alteration remains unclear.